The following is an entry in ClinVar:

NM_000428.3(LTBP2):c.173G>A (p.Gly58Asp)

Gene: LTBP2 (latent transforming growth factor beta binding protein 2; minus strand). Cytogenetic location: 14q24.3.
Variant type: single nucleotide variant.
Coding change: c.173G>A on transcript NM_000428.3 (MANE Select); coding-DNA position 173, G replaced by A.
Protein change: p.Gly58Asp; replaces glycine 58 with aspartic acid.
Molecular consequence: missense variant.
Genome position (GRCh38, 1-based): chr14:74,611,772, C>T on the plus strand (G>A on the coding strand, the complement: LTBP2 is on the minus strand). VCF-style: chr14-74611772-C-T. GRCh37 (hg19) VCF-style: chr14-75078475-C-T.
Other names: short protein forms G58D.
Identifiers: ClinVar variation 1721147 (VCV001721147.5), dbSNP rs2503026169, ClinGen allele CA390388561.

ClinVar aggregate classification (germline): Uncertain significance (1 of 4 stars; one submission).

Submission:

Labcorp Genetics (formerly Invitae), Labcorp
Classification: Uncertain significance. Last evaluated: 2024-09-28. Review status: criteria provided, single submitter. Criteria: Invitae Variant Classification Sherloc (09022015). Collection method: clinical testing. Allele origin: germline.
Comment: This sequence change replaces glycine, which is neutral and non-polar, with aspartic acid, which is acidic and polar, at codon 58 of the LTBP2 protein (p.Gly58Asp). This variant is not present in population databases (gnomAD no frequency). This variant has not been reported in the literature in individuals affected with LTBP2-related conditions. ClinVar contains an entry for this variant (Variation ID: 1721147). An algorithm developed to predict the effect of missense changes on protein structure and function outputs the following: PolyPhen-2: "Benign". The aspartic acid amino acid residue is found in multiple mammalian species, which suggests that this missense change does not adversely affect protein function. In summary, the available evidence is currently insufficient to determine the role of this variant in disease. Therefore, it has been classified as a Variant of Uncertain Significance.